The following is an entry in ClinVar:

NM_001372051.1(CASP8):c.519G>T (p.Lys173Asn)

Gene: CASP8 (caspase 8; plus strand). Cytogenetic location: 2q33.1.
Variant type: single nucleotide variant.
Coding change: c.519G>T on transcript NM_001372051.1 (MANE Select); coding-DNA position 519, G replaced by T.
Protein change: p.Lys173Asn; replaces lysine 173 with asparagine.
Molecular consequence: missense variant. On other transcripts: 5 prime UTR variant (11), non-coding transcript variant (22).
Genome position (GRCh38, 1-based): chr2:201,272,745, G>T. VCF-style: chr2-201272745-G-T. GRCh37 (hg19) VCF-style: chr2-202137468-G-T.
Other names: c.519G>T, p.Lys173Asn (NM_001080124.2, NM_001400645.1, NM_001400648.1 and 20 more transcripts); c.696G>T, p.Lys232Asn (NM_001080125.2, NM_001400642.1, NM_001400665.1); c.615G>T, p.Lys205Asn (NM_001228.5); c.210G>T, p.Lys70Asn (NM_001400669.1); c.-14G>T (NM_001400671.1, NM_001400672.1, NM_001400673.1 and 6 more transcripts); c.-195G>T (NM_001400674.1); c.-93G>T (NM_001400680.1); short protein forms K205N, K173N, K232N, K70N.
Identifiers: ClinVar variation 2121519 (VCV002121519.4), dbSNP rs1268336616, ClinGen allele CA350289560.

ClinVar aggregate classification (germline): Uncertain significance (1 of 4 stars; one submission).

Conditions:
Autoimmune lymphoproliferative syndrome type 2B. Also called: AUTOIMMUNE LYMPHOPROLIFERATIVE SYNDROME, TYPE IIB. Identifiers: Orphanet 275517, MedGen C1846545, MONDO:0011804, OMIM 607271.

Submission:

Labcorp Genetics (formerly Invitae), Labcorp
Classification: Uncertain significance for Autoimmune lymphoproliferative syndrome type 2B. Last evaluated: 2022-04-04. Review status: criteria provided, single submitter. Criteria: Invitae Variant Classification Sherloc (09022015). Collection method: clinical testing. Allele origin: germline.
Comment: Algorithms developed to predict the effect of missense changes on protein structure and function (SIFT, PolyPhen-2, Align-GVGD) all suggest that this variant is likely to be tolerated. In summary, the available evidence is currently insufficient to determine the role of this variant in disease. Therefore, it has been classified as a Variant of Uncertain Significance. This variant has not been reported in the literature in individuals affected with CASP8-related conditions. This variant is not present in population databases (gnomAD no frequency). This sequence change replaces lysine, which is basic and polar, with asparagine, which is neutral and polar, at codon 205 of the CASP8 protein (p.Lys205Asn).